The following is an entry in ClinVar:

NM_001378615.1(CC2D2A):c.1676T>C (p.Leu559Pro)

Genes: FBXL5 (F-box and leucine rich repeat protein 5; minus strand), CC2D2A (coiled-coil and C2 domain containing 2A; plus strand). Cytogenetic location: 4p15.32.
Variant type: single nucleotide variant.
Coding change: c.1676T>C on transcript NM_001378615.1 (MANE Select); coding-DNA position 1676, T replaced by C.
Protein change: p.Leu559Pro; replaces leucine 559 with proline.
Molecular consequence: missense variant.
Genome position (GRCh38, 1-based): chr4:15,536,988, T>C. VCF-style: chr4-15536988-T-C. GRCh37 (hg19) VCF-style: chr4-15538611-T-C.
Other names: c.1676T>C, p.Leu559Pro (NM_001080522.2); c.1529T>C, p.Leu510Pro (NM_001378617.1); short protein forms L559P, L510P.
Identifiers: ClinVar variation 217610 (VCV000217610.6), dbSNP rs754221308, ClinGen allele CA210253.

ClinVar aggregate classification (germline): Pathogenic. Review status: criteria provided, multiple submitters, no conflicts (2 of 4 stars). 2 submissions from 2 submitters: Pathogenic (2). Last evaluated 2022-04-13.

Conditions:
Joubert syndrome 9 (JBTS9). Identifiers: Orphanet 2318, MedGen C2676788, MONDO:0012849, OMIM 612285.
Joubert syndrome. Also called: Familial aplasia of the vermis; JOUBERT-BOLTSHAUSER SYNDROME. Identifiers: Orphanet 475, MedGen C5979921, MONDO:0018772.
Meckel-Gruber syndrome. Also called: Dysencephalia splachnocystica; DYSENCEPHALIA SPLANCHNOCYSTICA; GRUBER SYNDROME. Identifiers: Orphanet 564, MedGen C0265215, MONDO:0018921.

Allele frequency attached by ClinVar (database versions not stated): gnomAD exomes below 0.00001; ExAC 0.00001.
gnomAD v4.1: 2 of 1,613,812 alleles (0.00012%); highest among the groups gnomAD compares: Non-Finnish European, 0.000085%; no homozygotes.

Submissions (2):

Labcorp Genetics (formerly Invitae), Labcorp
Classification: Pathogenic for Joubert syndrome; Meckel-Gruber syndrome. Last evaluated: 2022-04-13. Review status: criteria provided, single submitter. Criteria: Invitae Variant Classification Sherloc (09022015). Collection method: clinical testing. Allele origin: germline.
Comment: This variant is present in population databases (rs754221308, gnomAD 0.0009%). This sequence change replaces leucine, which is neutral and non-polar, with proline, which is neutral and non-polar, at codon 559 of the CC2D2A protein (p.Leu559Pro). This variant disrupts the p.Leu559 amino acid residue in CC2D2A. Other variant(s) that disrupt this residue have been determined to be pathogenic (Invitae). This suggests that this residue is clinically significant, and that variants that disrupt this residue are likely to be disease-causing. For these reasons, this variant has been classified as Pathogenic. Advanced modeling of protein sequence and biophysical properties (such as structural, functional, and spatial information, amino acid conservation, physicochemical variation, residue mobility, and thermodynamic stability) performed at Invitae indicates that this missense variant is expected to disrupt CC2D2A protein function. ClinVar contains an entry for this variant (Variation ID: 217610). This missense change has been observed in individual(s) with Joubert syndrome (PMID: 21068128, 22241855). In at least one individual the data is consistent with being in trans (on the opposite chromosome) from a pathogenic variant.

UW Hindbrain Malformation Research Program, University of Washington
Classification: Pathogenic for Joubert syndrome 9. Last evaluated: 2015-02-23. Review status: criteria provided, single submitter. Criteria: Bachmann-Gagescu et al. (J Med Genet. 2015). Collection method: research. Allele origin: unknown. Affected: yes.

Literature cited by the submitters: PubMed 21068128 (cited by Labcorp Genetics (formerly Invitae), Labcorp); PubMed 22241855 (cited by Labcorp Genetics (formerly Invitae), Labcorp).